The following is an entry in ClinVar:

NM_001378969.1(KCND3):c.878G>A (p.Arg293His)

Gene: KCND3 (potassium voltage-gated channel subfamily D member 3; minus strand). Cytogenetic location: 1p13.2.
Variant type: single nucleotide variant.
Coding change: c.878G>A on transcript NM_001378969.1 (MANE Select); coding-DNA position 878, G replaced by A.
Protein change: p.Arg293His; replaces arginine 293 with histidine.
Molecular consequence: missense variant.
Genome position (GRCh38, 1-based): chr1:111,981,849, C>T on the plus strand (G>A on the coding strand, the complement: KCND3 is on the minus strand). VCF-style: chr1-111981849-C-T. GRCh37 (hg19) VCF-style: chr1-112524471-C-T.
Other names: c.878G>A, p.Arg293His (NM_001378970.1, NM_004980.5, NM_172198.3); short protein forms R293H.
Identifiers: ClinVar variation 1038793 (VCV001038793.10), dbSNP rs1674965278, ClinGen allele CA341821160.

ClinVar aggregate classification (germline): Uncertain significance. Review status: criteria provided, multiple submitters, no conflicts (2 of 4 stars). 2 submissions from 2 submitters: Uncertain significance (2). Last evaluated 2022-03-30.

Conditions:
Cardiovascular phenotype. Identifiers: MedGen CN230736.
Spinocerebellar ataxia type 19/22 (SCA19). Also called: SPINOCEREBELLAR ATAXIA 22; SPINOCEREBELLAR ATAXIA 19. Identifiers: Orphanet 98772, MedGen C1846367, MONDO:0011819, OMIM 607346.

Allele frequency attached by ClinVar (database versions not stated): gnomAD exomes below 0.00001.
gnomAD v4.1: 1 of 1,613,922 alleles (0.000062%); highest among the groups gnomAD compares: Non-Finnish European, 0.000085%; no homozygotes.

Submissions (2):

Labcorp Genetics (formerly Invitae), Labcorp
Classification: Uncertain significance for Spinocerebellar ataxia type 19/22. Last evaluated: 2022-03-30. Review status: criteria provided, single submitter. Criteria: Invitae Variant Classification Sherloc (09022015). Collection method: clinical testing. Allele origin: germline.
Comment: In summary, the available evidence is currently insufficient to determine the role of this variant in disease. Therefore, it has been classified as a Variant of Uncertain Significance. This sequence change replaces arginine, which is basic and polar, with histidine, which is basic and polar, at codon 293 of the KCND3 protein (p.Arg293His). This variant is not present in population databases (gnomAD no frequency). This variant has not been reported in the literature in individuals affected with KCND3-related conditions. ClinVar contains an entry for this variant (Variation ID: 1038793). Algorithms developed to predict the effect of missense changes on protein structure and function (SIFT, PolyPhen-2, Align-GVGD) all suggest that this variant is likely to be disruptive.

Ambry Genetics
Classification: Uncertain significance for Cardiovascular phenotype. Last evaluated: 2021-03-09. Review status: criteria provided, single submitter. Criteria: Ambry Variant Classification Scheme 2023. Collection method: clinical testing. Allele origin: germline.
Comment: The p.R293H variant (also known as c.878G>A), located in coding exon 1 of the KCND3 gene, results from a G to A substitution at nucleotide position 878. The arginine at codon 293 is replaced by histidine, an amino acid with highly similar properties. This amino acid position is highly conserved in available vertebrate species. In addition, this alteration is predicted to be deleterious by in silico analysis. Since supporting evidence is limited at this time, the clinical significance of this alteration remains unclear.